The following is an entry in ClinVar:

NM_001312673.2(PCYT1A):c.947C>T (p.Pro316Leu)

Gene: PCYT1A (phosphate cytidylyltransferase 1A, choline; minus strand). Cytogenetic location: 3q29.
Variant type: single nucleotide variant.
Coding change: c.947C>T on transcript NM_001312673.2 (MANE Select); coding-DNA position 947, C replaced by T.
Protein change: p.Pro316Leu; replaces proline 316 with leucine.
Molecular consequence: missense variant.
Genome position (GRCh38, 1-based): chr3:196,238,845, G>A on the plus strand (C>T on the coding strand, the complement: PCYT1A is on the minus strand). VCF-style: chr3-196238845-G-A. GRCh37 (hg19) VCF-style: chr3-195965716-G-A.
Other names: c.947C>T, p.Pro316Leu (NM_005017.4); short protein forms P316L.
Identifiers: ClinVar variation 1466661 (VCV001466661.8), dbSNP rs747402568, ClinGen allele CA2779388.

ClinVar aggregate classification (germline): Uncertain significance (1 of 4 stars; one submission).

Allele frequency attached by ClinVar (database versions not stated): ExAC 0.00001; gnomAD 0.00001; gnomAD exomes 0.00001.
gnomAD v4.1: 5 of 1,540,662 alleles (0.00032%); highest among the groups gnomAD compares: South Asian, 0.0025%; no homozygotes.

Submission:

Labcorp Genetics (formerly Invitae), Labcorp
Classification: Uncertain significance. Last evaluated: 2021-06-19. Review status: criteria provided, single submitter. Criteria: Invitae Variant Classification Sherloc (09022015). Collection method: clinical testing. Allele origin: germline.
Comment: In summary, the available evidence is currently insufficient to determine the role of this variant in disease. Therefore, it has been classified as a Variant of Uncertain Significance. Algorithms developed to predict the effect of missense changes on protein structure and function are either unavailable or do not agree on the potential impact of this missense change (SIFT: "Tolerated"; PolyPhen-2: "Probably Damaging"; Align-GVGD: "Class C0"). This variant has not been reported in the literature in individuals with PCYT1A-related conditions. This variant is present in population databases (rs747402568, ExAC 0.01%). This sequence change replaces proline with leucine at codon 316 of the PCYT1A protein (p.Pro316Leu). The proline residue is highly conserved and there is a moderate physicochemical difference between proline and leucine.